The following is an entry in ClinVar:

ClinVar aggregate classification (germline): Uncertain significance (1 of 4 stars; one submission).

gnomAD v4.1: 1 of 1,613,186 alleles (0.000062%); highest among the groups gnomAD compares: South Asian, 0.0011%; no homozygotes.

Submission:

Ambry Genetics
Classification: Uncertain significance. Last evaluated: 2026-03-29. Review status: criteria provided, single submitter. Criteria: Ambry Variant Classification Scheme 2023. Collection method: clinical testing. Allele origin: germline.
Comment: The p.I616L variant (also known as c.1846A>C), located in coding exon 10 of the PKP4 gene, results from an A to C substitution at nucleotide position 1846. The isoleucine at codon 616 is replaced by leucine, an amino acid with highly similar properties. This amino acid position is conserved. In addition, this alteration is predicted to be tolerated by in silico analysis. Based on the available evidence, the clinical significance of this variant remains unclear.

NM_003628.6(PKP4):c.1846A>C (p.Ile616Leu)

Gene: PKP4 (plakophilin 4; plus strand). Cytogenetic location: 2q24.1.
Variant type: single nucleotide variant.
Coding change: c.1846A>C on transcript NM_003628.6 (MANE Select); coding-DNA position 1846, A replaced by C.
Protein change: p.Ile616Leu; replaces isoleucine 616 with leucine.
Molecular consequence: missense variant.
Genome position (GRCh38, 1-based): chr2:158,642,636, A>C. VCF-style: chr2-158642636-A-C. GRCh37 (hg19) VCF-style: chr2-159499148-A-C.
Other names: c.1846A>C, p.Ile616Leu (NM_001005476.4, NM_001304971.2, NM_001377218.1 and 1 more transcripts); c.1843A>C, p.Ile615Leu (NM_001304969.3, NM_001377219.1, NM_001377220.1 and 2 more transcripts); c.817A>C, p.Ile273Leu (NM_001304970.3); c.1840A>C, p.Ile614Leu (NM_001377222.1, NM_001377223.1); c.1837A>C, p.Ile613Leu (NM_001377224.1); short protein forms I273L, I613L, I614L, I615L, I616L.
Identifiers: ClinVar variation 4862009 (VCV004862009.1).